The following is an entry in ClinVar:

NM_000334.4(SCN4A):c.4764C>A (p.Ile1588=)

Genes: GH-LCR (growth hormone locus control region; plus strand), SCN4A (sodium voltage-gated channel alpha subunit 4; minus strand). Cytogenetic location: 17q23.3.
Variant type: single nucleotide variant.
Coding change: c.4764C>A on transcript NM_000334.4 (MANE Select); coding-DNA position 4764, C replaced by A.
Protein change: p.Ile1588=; no amino-acid change (isoleucine 1588 retained).
Molecular consequence: synonymous variant.
Genome position (GRCh38, 1-based): chr17:63,941,518, G>T on the plus strand (C>A on the coding strand, the complement: SCN4A is on the minus strand). VCF-style: chr17-63941518-G-T. GRCh37 (hg19) VCF-style: chr17-62018878-G-T.
Identifiers: ClinVar variation 489367 (VCV000489367.1), dbSNP rs768778696, ClinGen allele CA501348076.

ClinVar aggregate classification (germline): Uncertain significance (1 of 4 stars; one submission).

Allele frequency attached by ClinVar (database versions not stated): gnomAD 0.00001; TOPMed 0.00002.
gnomAD v4.1: 3 of 1,614,000 alleles (0.00019%); highest among the groups gnomAD compares: Non-Finnish European, 0.00025%; no homozygotes.

Submission:

GeneDx
Classification: Uncertain significance. Last evaluated: 2018-01-22. Review status: criteria provided, single submitter. Criteria: GeneDx Variant Classification (06012015). Collection method: clinical testing. Allele origin: germline. Affected: yes.
Comment: A variant of uncertain significance has been identified in the SCN4A gene. The c.4764 C>A variant has not been published as a pathogenic variant, nor has it been reported as a benign variant to our knowledge. The c.4764 C>A variant is not observed in large population cohorts (Lek et al., 2016). Several in silico splice prediction models predict that c.4764 C>A creates a cryptic splice acceptor site which may supplant the natural splice acceptor site and lead to abnormal gene splicing. However, in the absence of RNA/functional studies, the actual effect of this sequence change in this individual is unknown. Therefore, based on the currently available information, it is unclear whether this variant is a pathogenic variant or a rare benign variant.